The following is an entry in ClinVar:

ClinVar aggregate classification (germline): Uncertain significance (1 of 4 stars; one submission).

Conditions:
Pitt-Hopkins-like syndrome 2 (PTHSL2). Identifiers: Orphanet 221150, Orphanet 600663, MedGen C3280479, MONDO:0013690, OMIM 614325.

Allele frequency attached by ClinVar (database versions not stated): gnomAD exomes below 0.00001; TOPMed below 0.00001.
gnomAD v4.1: 5 of 1,608,632 alleles (0.00031%); highest among the groups gnomAD compares: Non-Finnish European, 0.00034%; no homozygotes.

Submission:

Labcorp Genetics (formerly Invitae), Labcorp
Classification: Uncertain significance for Pitt-Hopkins-like syndrome 2. Last evaluated: 2021-07-21. Review status: criteria provided, single submitter. Criteria: Invitae Variant Classification Sherloc (09022015). Collection method: clinical testing. Allele origin: germline.
Comment: In summary, the available evidence is currently insufficient to determine the role of this variant in disease. Therefore, it has been classified as a Variant of Uncertain Significance. Algorithms developed to predict the effect of missense changes on protein structure and function are either unavailable or do not agree on the potential impact of this missense change (SIFT: "Tolerated"; PolyPhen-2: "Probably Damaging"; Align-GVGD: "Class C0"). This variant has not been reported in the literature in individuals affected with NRXN1-related conditions. This variant is not present in population databases (ExAC no frequency). This sequence change replaces alanine with threonine at codon 756 of the NRXN1 protein (p.Ala756Thr). The alanine residue is highly conserved and there is a small physicochemical difference between alanine and threonine.

NM_001330078.2(NRXN1):c.2146G>A (p.Ala716Thr)

Gene: NRXN1 (neurexin 1; minus strand). Cytogenetic location: 2p16.3.
Variant type: single nucleotide variant.
Coding change: c.2146G>A on transcript NM_001330078.2 (MANE Select); coding-DNA position 2146, G replaced by A.
Protein change: p.Ala716Thr; replaces alanine 716 with threonine.
Molecular consequence: missense variant.
Genome position (GRCh38, 1-based): chr2:50,531,428, C>T on the plus strand (G>A on the coding strand, the complement: NRXN1 is on the minus strand). VCF-style: chr2-50531428-C-T. GRCh37 (hg19) VCF-style: chr2-50758566-C-T.
Other names: c.2266G>A, p.Ala756Thr (NM_001135659.3); c.2122G>A, p.Ala708Thr (NM_001330077.2, NM_001330082.2, NM_001330095.2); c.2107G>A, p.Ala703Thr (NM_001330083.2, NM_001330084.2); c.2146G>A, p.Ala716Thr (NM_001330085.2, NM_001330086.2, NM_004801.6); c.2062G>A, p.Ala688Thr (NM_001330087.2, NM_001330096.2); c.2092G>A, p.Ala698Thr (NM_001330088.2); c.2143G>A, p.Ala715Thr (NM_001330093.2); c.2134G>A, p.Ala712Thr (NM_001330094.2); short protein forms A712T, A698T, A703T, A716T, A715T, A688T, A708T, A756T.
Identifiers: ClinVar variation 1368885 (VCV001368885.8), dbSNP rs2093106127, ClinGen allele CA346769823.